The following is an entry in ClinVar:

ClinVar aggregate classification (germline): Uncertain significance (1 of 4 stars; one submission).

Conditions:
Anophthalmia-microphthalmia syndrome. Also called: Anophthalmia/Microphthalmia; Anophthalmia - microphthalmia. Identifiers: Orphanet 98555, MedGen C5680330, MONDO:0020147.

Submission:

Labcorp Genetics (formerly Invitae), Labcorp
Classification: Uncertain significance for Anophthalmia-microphthalmia syndrome. Last evaluated: 2024-07-02. Review status: criteria provided, single submitter. Criteria: Invitae Variant Classification Sherloc (09022015). Collection method: clinical testing. Allele origin: germline.
Comment: This sequence change replaces threonine, which is neutral and polar, with isoleucine, which is neutral and non-polar, at codon 206 of the OTX2 protein (p.Thr206Ile). This variant is not present in population databases (gnomAD no frequency). This variant has not been reported in the literature in individuals affected with OTX2-related conditions. An algorithm developed to predict the effect of missense changes on protein structure and function (PolyPhen-2) suggests that this variant is likely to be tolerated. In summary, the available evidence is currently insufficient to determine the role of this variant in disease. Therefore, it has been classified as a Variant of Uncertain Significance.

NM_021728.4(OTX2):c.641C>T (p.Thr214Ile)

Gene: OTX2 (orthodenticle homeobox 2; minus strand). Cytogenetic location: 14q22.3.
Variant type: single nucleotide variant.
Coding change: c.641C>T on transcript NM_021728.4 (MANE Select); coding-DNA position 641, C replaced by T.
Protein change: p.Thr214Ile; replaces threonine 214 with isoleucine.
Molecular consequence: missense variant. On other transcripts: non-coding transcript variant (2).
Genome position (GRCh38, 1-based): chr14:56,801,988, G>A on the plus strand (C>T on the coding strand, the complement: OTX2 is on the minus strand). VCF-style: chr14-56801988-G-A. GRCh37 (hg19) VCF-style: chr14-57268706-G-A.
Other names: c.617C>T, p.Thr206Ile (NM_001270523.2, NM_001270524.2, NM_172337.3); c.641C>T, p.Thr214Ile (NM_001270525.2); short protein forms T206I, T214I.
Identifiers: ClinVar variation 3684755 (VCV003684755.2).
Genomic context (GRCh38, chr14:56,801,988, plus strand): 5'-GCATTGGTACCCATGGGACTGAGTGTGGCCCCTGGTCCGGGAAGCTGGTGATGCATAGGG[G>A]TCAAATATGATCCACAGTCCATGCCCCCAAAGTAGGAAGTTGAGCCAGCATATCCTTGAC-3'
Protein context (NP_068374.1, residues 204-224): FGGMDCGSYL[Thr214Ile]PMHHQLPGPG